The following is an entry in ClinVar:

ClinVar aggregate classification (germline): Uncertain significance (1 of 4 stars; one submission).

Submission:

Labcorp Genetics (formerly Invitae), Labcorp
Classification: Uncertain significance. Last evaluated: 2024-05-08. Review status: criteria provided, single submitter. Criteria: Invitae Variant Classification Sherloc (09022015). Collection method: clinical testing. Allele origin: germline.
Comment: This sequence change replaces proline, which is neutral and non-polar, with serine, which is neutral and polar, at codon 609 of the KIF2A protein (p.Pro609Ser). This variant is not present in population databases (gnomAD no frequency). This variant has not been reported in the literature in individuals affected with KIF2A-related conditions. An algorithm developed to predict the effect of missense changes on protein structure and function (PolyPhen-2) suggests that this variant is likely to be tolerated. In summary, the available evidence is currently insufficient to determine the role of this variant in disease. Therefore, it has been classified as a Variant of Uncertain Significance.

NM_001098511.3(KIF2A):c.1825C>T (p.Pro609Ser)

Gene: KIF2A (kinesin family member 2A; plus strand). Cytogenetic location: 5q12.1.
Variant type: single nucleotide variant.
Coding change: c.1825C>T on transcript NM_001098511.3 (MANE Select); coding-DNA position 1825, C replaced by T.
Protein change: p.Pro609Ser; replaces proline 609 with serine.
Molecular consequence: missense variant.
Genome position (GRCh38, 1-based): chr5:62,373,751, C>T. VCF-style: chr5-62373751-C-T. GRCh37 (hg19) VCF-style: chr5-61669578-C-T.
Other names: c.1630C>T, p.Pro544Ser (NM_001243952.2); c.1654C>T, p.Pro552Ser (NM_001243953.2); c.1711C>T, p.Pro571Ser (NM_004520.5); short protein forms P552S, P544S, P571S, P609S.
Identifiers: ClinVar variation 3652648 (VCV003652648.2).
Genomic context (GRCh38, chr5:62,373,751, plus strand): 5'-AAAGAATTGACTGTAGATCCAACTGCTGCTGGTGATGTTCGTCCAATAATGCACCATCCA[C>T]CAAACCAGATTGATGACTTAGAGACACAGTGGGGTGTGGGGAGTTCCCCTCAGAGAGATG-3'
Protein context (NP_001091981.1, residues 599-619): GDVRPIMHHP[Pro609Ser]NQIDDLETQW